The following is an entry in ClinVar:

NM_003906.5(MCM3AP):c.2055G>A (p.Glu685=)

Gene: MCM3AP (minichromosome maintenance complex component 3 associated protein; minus strand). Cytogenetic location: 21q22.3.
Variant type: single nucleotide variant.
Coding change: c.2055G>A on transcript NM_003906.5 (MANE Select); coding-DNA position 2055, G replaced by A.
Protein change: p.Glu685=; no amino-acid change (glutamic acid 685 retained).
Molecular consequence: synonymous variant.
Genome position (GRCh38, 1-based): chr21:46,273,529, C>T on the plus strand (G>A on the coding strand, the complement: MCM3AP is on the minus strand). VCF-style: chr21-46273529-C-T. GRCh37 (hg19) VCF-style: chr21-47693443-C-T.
Other names: c.2055G>A (NM_003906.4).
Identifiers: ClinVar variation 1577789 (VCV001577789.11), dbSNP rs537861114, ClinGen allele CA10076891.

ClinVar aggregate classification (germline): Benign/Likely benign. Review status: criteria provided, multiple submitters, no conflicts (2 of 4 stars). 3 submissions from 3 submitters: Benign (1); Likely benign (1). 1 of the submissions does not count toward it. Last evaluated 2026-01-26.

Conditions:
MCM3AP-related disorder. Also called: MCM3AP-related condition.

Allele frequency attached by ClinVar (database versions not stated): gnomAD 0.00001 and 0.00015; gnomAD exomes 0.00094; ExAC 0.00097; 1000 Genomes Project 30x 0.00109; 1000 Genomes Project 0.00140.
gnomAD v4.1: 624 of 1,613,894 alleles (0.039%); highest among the groups gnomAD compares: South Asian, 0.61%; 6 homozygotes.

Submissions (3):

Labcorp Genetics (formerly Invitae), Labcorp
Classification: Benign. Last evaluated: 2026-01-26. Review status: criteria provided, single submitter. Criteria: Invitae Variant Classification Sherloc (09022015). Collection method: clinical testing. Allele origin: germline.

Blueprint Genetics
Classification: Likely benign. Last evaluated: 2024-10-22. Review status: criteria provided, single submitter. Criteria: ACMG Guidelines, 2015. Collection method: clinical testing. Allele origin: germline.

PreventionGenetics, part of Exact Sciences
Classification: Benign for MCM3AP-related condition. Last evaluated: 2020-02-17. Review status: no assertion criteria provided. Collection method: clinical testing. Allele origin: germline. Not counted in ClinVar's aggregate classification.
Comment: This variant is classified as benign based on ACMG/AMP sequence variant interpretation guidelines (Richards et al. 2015 PMID: 25741868, with internal and published modifications).